The following is an entry in ClinVar:

ClinVar aggregate classification (germline): Pathogenic/Likely pathogenic. Review status: criteria provided, multiple submitters, no conflicts (2 of 4 stars). 2 submissions from 2 submitters: Pathogenic (1); Likely pathogenic (1). Last evaluated 2026-09-01.

Conditions:
Inborn genetic diseases. Identifiers: MedGen C0950123, MeSH D030342.

Submissions (2):

Ambry Genetics
Classification: Likely pathogenic for Inborn genetic diseases. Last evaluated: 2026-09-01. Review status: criteria provided, single submitter. Criteria: Ambry Variant Classification Scheme 2023. Collection method: clinical testing. Allele origin: germline.
Comment: The c.4981C>T (p.R1661*) alteration, located in exon 22 (coding exon 22) of the KDM3B gene, consists of a C to T substitution at nucleotide position 4981. This changes the amino acid from an arginine (R) to a stop codon at amino acid position 1661. Nonsense variants are typically expected to result in loss of function by premature protein truncation or nonsense-mediated mRNA decay. However, in silico splice site analysis predicts that this alteration may result in the creation or strengthening of a novel donor site, and the resulting transcript is not predicted to trigger nonsense-mediated mRNA decay, although direct evidence is unavailable. The region predicted to be impacted is critical for protein function, and a significant portion of the protein is affected (Ambry internal data). This variant was not reported in population-based cohorts in the Genome Aggregation Database (gnomAD). This variant was reported in individual(s) with features consistent with Diets-Jongmans syndrome (external communication). Based on the available evidence, this alteration is classified as likely pathogenic.

GeneDx
Classification: Pathogenic. Last evaluated: 2024-06-21. Review status: criteria provided, single submitter. Criteria: GeneDx Variant Classification Process June 2021. Collection method: clinical testing. Allele origin: germline. Affected: yes.
Comment: Nonsense variant predicted to result in protein truncation or nonsense mediated decay in a gene for which loss of function is a known mechanism of disease; Not observed at significant frequency in large population cohorts (gnomAD); Has not been previously published as pathogenic or benign to our knowledge

NM_016604.4(KDM3B):c.4981C>T (p.Arg1661Ter)

Gene: KDM3B (lysine demethylase 3B; plus strand). Cytogenetic location: 5q31.2.
Variant type: single nucleotide variant.
Coding change: c.4981C>T on transcript NM_016604.4 (MANE Select); coding-DNA position 4981, C replaced by T.
Protein change: p.Arg1661Ter; replaces arginine 1661 with a stop codon.
Molecular consequence: nonsense.
Genome position (GRCh38, 1-based): chr5:138,430,336, C>T. VCF-style: chr5-138430336-C-T. GRCh37 (hg19) VCF-style: chr5-137766025-C-T.
Other names: short protein forms R1661*.
Identifiers: ClinVar variation 3391504 (VCV003391504.2).